The following is an entry in ClinVar:

NM_000719.7(CACNA1C):c.221C>A (p.Ser74Tyr)

Gene: CACNA1C (calcium voltage-gated channel subunit alpha1 C; plus strand). Cytogenetic location: 12p13.33.
Variant type: single nucleotide variant.
Coding change: c.221C>A on transcript NM_000719.7 (MANE Select); coding-DNA position 221, C replaced by A.
Protein change: p.Ser74Tyr; replaces serine 74 with tyrosine.
Molecular consequence: missense variant.
Genome position (GRCh38, 1-based): chr12:2,115,395, C>A. VCF-style: chr12-2115395-C-A. GRCh37 (hg19) VCF-style: chr12-2224561-C-A.
Other names: c.221C>A, p.Ser74Tyr (NM_001129829.2, NM_001129830.3, NM_001129831.2 and 19 more transcripts); short protein forms S74Y.
Identifiers: ClinVar variation 4686392 (VCV004686392.1).

ClinVar aggregate classification (germline): Uncertain significance (1 of 4 stars; one submission).

Submission:

GeneDx
Classification: Uncertain significance. Last evaluated: 2025-07-18. Review status: criteria provided, single submitter. Criteria: GeneDx Variant Classification Process June 2021. Collection method: clinical testing. Allele origin: germline. Affected: yes.
Comment: Not observed at significant frequency in large population cohorts (gnomAD); In silico analysis suggests that this missense variant does not alter protein structure/function; Has not been previously published as pathogenic or benign to our knowledge